The following is an entry in ClinVar:

NM_001110556.2(FLNA):c.2758G>A (p.Val920Met)

Gene: FLNA (filamin A; minus strand). Cytogenetic location: Xq28.
Variant type: single nucleotide variant.
Coding change: c.2758G>A on transcript NM_001110556.2 (MANE Select); coding-DNA position 2758, G replaced by A.
Protein change: p.Val920Met; replaces valine 920 with methionine.
Molecular consequence: missense variant.
Genome position (GRCh38, 1-based): chrX:154,362,047, C>T on the plus strand (G>A on the coding strand, the complement: FLNA is on the minus strand). VCF-style: chrX-154362047-C-T. GRCh37 (hg19) VCF-style: chrX-153590415-C-T.
Other names: c.2758G>A, p.Val920Met (NM_001456.4); short protein forms V920M.
Identifiers: ClinVar variation 1309336 (VCV001309336.2), dbSNP rs2148114046, ClinGen allele CA415232792.
Genomic context (GRCh38, chrX:154,362,047, plus strand): 5'-CAGGCGTGTACTTGACTGTGTAGGTGTTGTCATGGTGGTCGATGATGTCCACATCTCGCA[C>T]TGCATCCCCCTTGGTGAGTCCTGAGAACTGGACGTCCAGCTTGCCTTTGCCAGCAGCTTT-3'
Protein context (NP_001104026.1, residues 910-930): QFSGLTKGDA[Val920Met]RDVDIIDHHD

ClinVar aggregate classification (germline): Uncertain significance (1 of 4 stars; one submission).

Submission:

GeneDx
Classification: Uncertain significance. Last evaluated: 2019-10-30. Review status: criteria provided, single submitter. Criteria: GeneDx Variant Classification Process June 2021. Collection method: clinical testing. Allele origin: germline. Affected: yes.
Comment: Not observed in large population cohorts (Lek et al., 2016); In silico analysis, which includes protein predictors and evolutionary conservation, supports that this variant does not alter protein structure/function; Has not been previously published as pathogenic or benign to our knowledge